The following is an entry in ClinVar:

ClinVar aggregate classification (germline): Benign (1 of 4 stars; one submission).

Allele frequency attached by ClinVar (database versions not stated): gnomAD 0.02324 and 0.02495; TOPMed 0.02578; 1000 Genomes Project 0.02815; 1000 Genomes Project 30x 0.02904.
gnomAD v4.1: 3,507 of 152,294 alleles (2.3%); highest among the groups gnomAD compares: African/African-American, 8%; 151 homozygotes.

Submission:

GeneDx
Classification: Benign. Last evaluated: 2018-06-14. Review status: criteria provided, single submitter. Criteria: GeneDx Variant Classification (06012015). Collection method: clinical testing. Allele origin: germline. Affected: yes.
Comment: This variant is considered likely benign or benign based on one or more of the following criteria: it is a conservative change, it occurs at a poorly conserved position in the protein, it is predicted to be benign by multiple in silico algorithms, and/or has population frequency not consistent with disease.

NM_001182.5(ALDH7A1):c.1200+178T>G

Gene: ALDH7A1 (aldehyde dehydrogenase 7 family member A1; minus strand). Cytogenetic location: 5q23.2.
Variant type: single nucleotide variant.
Coding change: c.1200+178T>G on transcript NM_001182.5 (MANE Select); 178 bases into the intron after coding-DNA position 1200, T replaced by G.
Molecular consequence: intron variant.
Genome position (GRCh38, 1-based): chr5:126,554,109, A>C on the plus strand (T>G on the coding strand, the complement: ALDH7A1 is on the minus strand). VCF-style: chr5-126554109-A-C. GRCh37 (hg19) VCF-style: chr5-125889801-A-C.
Other names: c.1009-1972T>G (NM_001202404.2); c.1116+178T>G (NM_001201377.2).
Identifiers: ClinVar variation 677972 (VCV000677972.1), dbSNP rs114816698, ClinGen allele CA126887486.